The following is an entry in ClinVar:

NM_001042492.3(NF1):c.204+3G>A

Gene: NF1 (neurofibromin 1; plus strand). Cytogenetic location: 17q11.2.
Variant type: single nucleotide variant.
Coding change: c.204+3G>A on transcript NM_001042492.3 (MANE Select); 3 bases into the intron after coding-DNA position 204, G replaced by A.
Molecular consequence: intron variant.
Genome position (GRCh38, 1-based): chr17:31,156,129, G>A. VCF-style: chr17-31156129-G-A. GRCh37 (hg19) VCF-style: chr17-29483147-G-A.
Other names: c.204+3G>A (NM_000267.4, NM_001128147.3).
Identifiers: ClinVar variation 4876028 (VCV004876028.1).

ClinVar aggregate classification (germline): Likely benign (1 of 4 stars; one submission).

Conditions:
Neurofibromatosis, type 1 (NF1). Also called: VON RECKLINGHAUSEN DISEASE; NEUROFIBROMATOSIS, TYPE I, SOMATIC; Peripheral type neurofibromatosis; Neurofibromatosis, type I. Identifiers: Orphanet 636, MedGen C0027831, MONDO:0018975, OMIM 162200. Disease mechanism: loss of function.

Submission:

Myriad Genetics, Inc.
Classification: Likely benign for Neurofibromatosis, type 1. Last evaluated: 2026-05-11. Review status: criteria provided, single submitter. Criteria: Myriad Autosomal Dominant, Autosomal Recessive and X-Linked Classification Criteria (2023). Collection method: clinical testing. Allele origin: unknown.
Comment: This variant is considered likely benign. This variant is intronic and is not expected to impact mRNA splicing.